The following is an entry in ClinVar:

ClinVar aggregate classification (germline): Uncertain significance. Review status: criteria provided, single submitter (1 of 4 stars). 2 submissions from 2 submitters: Uncertain significance (1). 1 of the submissions does not count toward it. Last evaluated 2018-01-12.

Conditions:
LMAN1-related disorder. Also called: LMAN1-related condition.
Factor V and factor VIII, combined deficiency of, type 1. Also called: Combined factor V and VIII deficiency; FAMILIAL MULTIPLE COAGULATION FACTOR DEFICIENCY I; MULTIPLE COAGULATION FACTOR DEFICIENCY I; FMFD I. Identifiers: Orphanet 35909, MedGen C4551981, MONDO:0009206, OMIM 227300.

Allele frequency attached by ClinVar (database versions not stated): 1000 Genomes Project 30x 0.00016; gnomAD 0.00026 and 0.00027; TOPMed 0.00030; ESP Exome Variant Server 0.00015; ExAC 0.00006; 1000 Genomes Project 0.00020.
gnomAD v4.1: 102 of 1,613,712 alleles (0.0063%); highest among the groups gnomAD compares: African/African-American, 0.079%; no homozygotes.

Submissions (2):

Illumina Laboratory Services, Illumina
Classification: Uncertain significance for Factor V and factor VIII, combined deficiency of, type 1. Last evaluated: 2018-01-12. Review status: criteria provided, single submitter. Criteria: ICSL Variant Classification Criteria 13 December 2019. Collection method: clinical testing. Allele origin: germline.

PreventionGenetics, part of Exact Sciences
Classification: Likely benign for LMAN1-related condition. Last evaluated: 2019-02-28. Review status: no assertion criteria provided. Collection method: clinical testing. Allele origin: germline. Not counted in ClinVar's aggregate classification.
Comment: This variant is classified as likely benign based on ACMG/AMP sequence variant interpretation guidelines (Richards et al. 2015 PMID: 25741868, with internal and published modifications).

NM_005570.4(LMAN1):c.1050G>T (p.Arg350=)

Gene: LMAN1 (lectin, mannose binding 1; minus strand). Cytogenetic location: 18q21.32.
Variant type: single nucleotide variant.
Coding change: c.1050G>T on transcript NM_005570.4 (MANE Select); coding-DNA position 1050, G replaced by T.
Protein change: p.Arg350=; no amino-acid change (arginine 350 retained).
Molecular consequence: synonymous variant.
Genome position (GRCh38, 1-based): chr18:59,338,859, C>A on the plus strand (G>T on the coding strand, the complement: LMAN1 is on the minus strand). VCF-style: chr18-59338859-C-A. GRCh37 (hg19) VCF-style: chr18-57006091-C-A.
Identifiers: ClinVar variation 327571 (VCV000327571.7), dbSNP rs185875271, ClinGen allele CA8979729.